The following is an entry in ClinVar:

NM_006231.4(POLE):c.3024G>C (p.Lys1008Asn)

Gene: POLE (DNA polymerase epsilon, catalytic subunit; minus strand). Cytogenetic location: 12q24.33.
Variant type: single nucleotide variant.
Coding change: c.3024G>C on transcript NM_006231.4 (MANE Select); coding-DNA position 3024, G replaced by C.
Protein change: p.Lys1008Asn; replaces lysine 1008 with asparagine.
Molecular consequence: missense variant.
Genome position (GRCh38, 1-based): chr12:132,661,005, C>G on the plus strand (G>C on the coding strand, the complement: POLE is on the minus strand). VCF-style: chr12-132661005-C-G. GRCh37 (hg19) VCF-style: chr12-133237591-C-G.
Other names: short protein forms K1008N.
Identifiers: ClinVar variation 2775469 (VCV002775469.3), dbSNP rs2138689242, ClinGen allele CA387392262.

ClinVar aggregate classification (germline): Uncertain significance (1 of 4 stars; one submission).

Submission:

Labcorp Genetics (formerly Invitae), Labcorp
Classification: Uncertain significance. Last evaluated: 2024-04-20. Review status: criteria provided, single submitter. Criteria: Invitae Variant Classification Sherloc (09022015). Collection method: clinical testing. Allele origin: germline.
Comment: This sequence change replaces lysine, which is basic and polar, with asparagine, which is neutral and polar, at codon 1008 of the POLE protein (p.Lys1008Asn). This variant is not present in population databases (gnomAD no frequency). This variant has not been reported in the literature in individuals affected with POLE-related conditions. Advanced modeling of protein sequence and biophysical properties (such as structural, functional, and spatial information, amino acid conservation, physicochemical variation, residue mobility, and thermodynamic stability) performed at Invitae indicates that this missense variant is not expected to disrupt POLE protein function with a negative predictive value of 80%. In summary, the available evidence is currently insufficient to determine the role of this variant in disease. Therefore, it has been classified as a Variant of Uncertain Significance.